The following is an entry in ClinVar:

ClinVar aggregate classification (germline): Uncertain significance (1 of 4 stars; one submission).

Conditions:
Early-infantile DEE. Also called: Early infantile epileptic encephalopathy; Early infantile epileptic encephalopathy with suppression bursts; Ohtahara syndrome. Identifiers: Orphanet 1934, MedGen C0393706, MONDO:0800491.

Submission:

Labcorp Genetics (formerly Invitae), Labcorp
Classification: Uncertain significance for Early-infantile DEE. Last evaluated: 2022-11-03. Review status: criteria provided, single submitter. Criteria: Invitae Variant Classification Sherloc (09022015). Collection method: clinical testing. Allele origin: germline.
Comment: In summary, the available evidence is currently insufficient to determine the role of this variant in disease. Therefore, it has been classified as a Variant of Uncertain Significance. Advanced modeling of protein sequence and biophysical properties (such as structural, functional, and spatial information, amino acid conservation, physicochemical variation, residue mobility, and thermodynamic stability) performed at Invitae indicates that this missense variant is expected to disrupt KCNQ2 protein function. This variant has not been reported in the literature in individuals affected with KCNQ2-related conditions. This variant is not present in population databases (gnomAD no frequency). This sequence change replaces glutamic acid, which is acidic and polar, with glutamine, which is neutral and polar, at codon 46 of the KCNQ2 protein (p.Glu46Gln).

NM_172107.4(KCNQ2):c.136G>C (p.Glu46Gln)

Gene: KCNQ2 (potassium voltage-gated channel subfamily Q member 2; minus strand). Cytogenetic location: 20q13.33.
Variant type: single nucleotide variant.
Coding change: c.136G>C on transcript NM_172107.4 (MANE Select); coding-DNA position 136, G replaced by C.
Protein change: p.Glu46Gln; replaces glutamic acid 46 with glutamine.
Molecular consequence: missense variant.
Genome position (GRCh38, 1-based): chr20:63,472,328, C>G on the plus strand (G>C on the coding strand, the complement: KCNQ2 is on the minus strand). VCF-style: chr20-63472328-C-G. GRCh37 (hg19) VCF-style: chr20-62103681-C-G.
Other names: c.136G>C, p.Glu46Gln (NM_001382235.1, NM_004518.6, NM_172106.3 and 2 more transcripts); short protein forms E46Q.
Identifiers: ClinVar variation 2099920 (VCV002099920.4), dbSNP rs2516745443, ClinGen allele CA409635529.